The following is an entry in ClinVar:

ClinVar aggregate classification (germline): Conflicting classifications of pathogenicity. Review status: criteria provided, conflicting classifications (1 of 4 stars). 5 submissions from 5 submitters: Uncertain significance (3); Benign (1); Likely benign (1). Last evaluated 2025-11-04.

Conditions:
Catecholaminergic polymorphic ventricular tachycardia (CVPT). Also called: Catecholamine-induced polymorphic ventricular tachycardia. Identifiers: Orphanet 3286, MedGen C5574922, MONDO:0017990.
Catecholaminergic polymorphic ventricular tachycardia 1. Also called: RYR2-Related Catecholaminergic Polymorphic Ventricular Tachycardia; VENTRICULAR TACHYCARDIA, CATECHOLAMINERGIC POLYMORPHIC, 1, WITH OR WITHOUT ATRIAL DYSFUNCTION AND/OR DILATED CARDIOMYOPATHY; VENTRICULAR TACHYCARDIA, STRESS-INDUCED POLYMORPHIC 1. Identifiers: Orphanet 3286, MedGen C1631597, MONDO:0011484, OMIM 604772.
Cardiovascular phenotype. Identifiers: MedGen CN230736.
Cardiomyopathy (CMYO). Also called: Cardiomyopathies. Identifiers: Orphanet 167848, MedGen C0878544, MONDO:0004994, HP:0001638. Inheritance: Various modes of inheritance.

Allele frequency attached by ClinVar (database versions not stated): TOPMed below 0.00001; gnomAD exomes 0.00002 and 0.00006; ExAC 0.00003; gnomAD 0.00004; 1000 Genomes Project 30x 0.00031; 1000 Genomes Project 0.00040.
gnomAD v4.1: 97 of 1,614,054 alleles (0.006%); highest among the groups gnomAD compares: East Asian, 0.21%; 1 homozygote.

Submissions (5):

Color Diagnostics, LLC DBA Color Health
Classification: Benign for Cardiomyopathy. Last evaluated: 2025-11-04. Review status: criteria provided, single submitter. Criteria: ACMG Guidelines, 2015. Collection method: clinical testing. Allele origin: germline.

Labcorp Genetics (formerly Invitae), Labcorp
Classification: Likely benign for Catecholaminergic polymorphic ventricular tachycardia 1. Last evaluated: 2024-11-24. Review status: criteria provided, single submitter. Criteria: Invitae Variant Classification Sherloc (09022015). Collection method: clinical testing. Allele origin: germline.

Ambry Genetics
Classification: Uncertain significance for Cardiovascular phenotype. Last evaluated: 2024-01-08. Review status: criteria provided, single submitter. Criteria: Ambry Variant Classification Scheme 2023. Collection method: clinical testing. Allele origin: germline.
Comment: The p.N4111H variant (also known as c.12331A>C), located in coding exon 90 of the RYR2 gene, results from an A to C substitution at nucleotide position 12331. The asparagine at codon 4111 is replaced by histidine, an amino acid with similar properties. This alteration has been reported in subjects with features of RYR2-related ventricular arrhythmia (Kawata H et al. Circ J, 2016 Aug;80:1907-15; Miyata K et al. Intern Med, 2018 Jul;57:1813-1817). This amino acid position is not well conserved in available vertebrate species. In addition, this alteration is predicted to be tolerated by in silico analysis. Since supporting evidence is limited at this time, the clinical significance of this alteration remains unclear.

All of Us Research Program, National Institutes of Health
Classification: Uncertain significance for Catecholaminergic polymorphic ventricular tachycardia. Last evaluated: 2023-12-13. Review status: criteria provided, single submitter. Criteria: ACMG Guidelines, 2015. Collection method: clinical testing. Allele origin: germline. Inheritance: Autosomal dominant inheritance. Observed: 3 variant alleles, 3 heterozygotes.
Comment: This missense variant replaces asparagine with histidine at codon 4111 of the RYR2 protein. Computational prediction suggests that this variant may not impact protein structure and function (internally defined REVEL score threshold <= 0.5, PMID: 27666373). To our knowledge, functional studies have not been reported for this variant. This variant has not been reported in individuals affected with cardiovascular disorders in the literature. This variant has been identified in 4/248462 chromosomes in the general population by the Genome Aggregation Database (gnomAD). The available evidence is insufficient to determine the role of this variant in disease conclusively. Therefore, this variant is classified as a Variant of Uncertain Significance.

This study involves interpretation of variants in research participants for the purpose of population health screening. Participant phenotype was not available at the time of variant classification. Additional details can be found in publication PMID: 35346344, PMCID: PMC8962531

Women's Health and Genetics/Laboratory Corporation of America, LabCorp
Classification: Uncertain significance. Last evaluated: 2023-06-12. Review status: criteria provided, single submitter. Criteria: LabCorp Variant Classification Summary - May 2015. Collection method: clinical testing. Allele origin: germline.
Comment: Variant summary: RYR2 c.12331A>C (p.Asn4111His) results in a conservative amino acid change in the encoded protein sequence. Four of five in-silico tools predict a benign effect of the variant on protein function. The variant allele was found at a frequency of 1.6e-05 in 248462 control chromosomes. The available data on variant occurrences in the general population are insufficient to allow any conclusion about variant significance. c.12331A>C has been reported in the literature in individuals affected with LQTS, Cardiopulmonary arrest and ventricular fibrillation (Miyata_2018, Kawata_2016). These reports do not provide unequivocal conclusions about association of the variant with Catecholaminergic Polymorphic Ventricular Tachycardia. To our knowledge, no experimental evidence demonstrating an impact on protein function has been reported. The following publications have been ascertained in the context of this evaluation (PMID: 27452199, 29434162). Two clinical diagnostic laboratories have submitted clinical-significance assessments for this variant to ClinVar after 2014. One laboratory classified the variant as likely benign, and one laboratory classified the variant as uncertain significance. Based on the evidence outlined above, the variant was classified as uncertain significance.

Literature cited by the submitters: PubMed 27452199 (cited by Ambry Genetics and Women's Health and Genetics/Laboratory Corporation of America, LabCorp); PubMed 29434162 (cited by Ambry Genetics and Women's Health and Genetics/Laboratory Corporation of America, LabCorp).

NM_001035.3(RYR2):c.12331A>C (p.Asn4111His)

Gene: RYR2 (ryanodine receptor 2; plus strand). Cytogenetic location: 1q43.
Variant type: single nucleotide variant.
Coding change: c.12331A>C on transcript NM_001035.3 (MANE Select); coding-DNA position 12331, A replaced by C.
Protein change: p.Asn4111His; replaces asparagine 4111 with histidine.
Molecular consequence: missense variant.
Genome position (GRCh38, 1-based): chr1:237,784,043, A>C. VCF-style: chr1-237784043-A-C. GRCh37 (hg19) VCF-style: chr1-237947343-A-C.
Other names: c.12331A>C, p.Asn4111His (LRG_402t1); short protein forms N4111H.
Identifiers: ClinVar variation 629337 (VCV000629337.12), dbSNP rs192890834, ClinGen allele CA085169.